The following is an entry in ClinVar:

ClinVar aggregate classification (germline): Uncertain significance (1 of 4 stars; one submission).

Submission:

Genetic Services Laboratory, University of Chicago
Classification: Uncertain significance. Last evaluated: 2020-05-11. Review status: criteria provided, single submitter. Criteria: ACMG Guidelines, 2015. Collection method: clinical testing. Allele origin: germline. Affected: no.
Comment: DNA sequence analysis of the SLC6A17 gene demonstrated a sequence change, c.2018C>A, in exon 12 that results in an amino acid change, p.Thr673Asn. This sequence change does not appear to have been previously described in patients with SLC6A17-related disorders and has also not been described in the large population databases (ExAC and gnomAD).The p.Thr673Asn change affects a moderately conserved amino acid residue located in a domain of the SLC6A17 protein that is not known to be functional. In-silico pathogenicity prediction tools (SIFT, PolyPhen2, Align GVGD, REVEL) provide contradictory results for the p.Thr673Asn substitution. Due to these contrasting evidences and the lack of functional studies, the clinical significance of the p.Thr673Asn change remains unknown at this time.

NM_001010898.4(SLC6A17):c.2018C>A (p.Thr673Asn)

Gene: SLC6A17 (solute carrier family 6 member 17; plus strand). Cytogenetic location: 1p13.3.
Variant type: single nucleotide variant.
Coding change: c.2018C>A on transcript NM_001010898.4 (MANE Select); coding-DNA position 2018, C replaced by A.
Protein change: p.Thr673Asn; replaces threonine 673 with asparagine.
Molecular consequence: missense variant.
Genome position (GRCh38, 1-based): chr1:110,198,278, C>A. VCF-style: chr1-110198278-C-A. GRCh37 (hg19) VCF-style: chr1-110740900-C-A.
Other names: short protein forms T673N.
Identifiers: ClinVar variation 1337593 (VCV001337593.4), dbSNP rs2100954694, ClinGen allele CA341585408.